The following is an entry in ClinVar:

ClinVar aggregate classification (germline): Conflicting classifications of pathogenicity. Review status: criteria provided, conflicting classifications (1 of 4 stars). 4 submissions from 4 submitters: Uncertain significance (3); Likely benign (1). Last evaluated 2025-08-20.

Conditions:
Cardiovascular phenotype. Identifiers: MedGen CN230736.
Long QT syndrome (LQTS). Identifiers: MedGen C0023976, MeSH D008133, MONDO:0002442. Disease mechanism: loss of function. Inheritance: Various modes of inheritance.
Cardiac arrhythmia, ankyrin-B-related. Also called: ANKYRIN-B SYNDROME. Identifiers: Orphanet 101016, Orphanet 768, MedGen C1970119, MONDO:0010958, OMIM 600919.

Allele frequency attached by ClinVar (database versions not stated): ExAC 0.00002; gnomAD exomes 0.00004; TOPMed 0.00004; gnomAD 0.00005.
gnomAD v4.1: 59 of 1,613,948 alleles (0.0037%); highest among the groups gnomAD compares: Non-Finnish European, 0.0045%; no homozygotes.

Submissions (4):

Labcorp Genetics (formerly Invitae), Labcorp
Classification: Uncertain significance for Long QT syndrome. Last evaluated: 2025-08-20. Review status: criteria provided, single submitter. Criteria: Invitae Variant Classification Sherloc (09022015). Collection method: clinical testing. Allele origin: germline.
Comment: This sequence change replaces aspartic acid, which is acidic and polar, with asparagine, which is neutral and polar, at codon 3853 of the ANK2 protein (p.Asp3853Asn). This variant is present in population databases (rs754642933, gnomAD 0.006%). This variant has not been reported in the literature in individuals affected with ANK2-related conditions. ClinVar contains an entry for this variant (Variation ID: 190585). Invitae Evidence Modeling of protein sequence and biophysical properties (such as structural, functional, and spatial information, amino acid conservation, physicochemical variation, residue mobility, and thermodynamic stability) indicates that this missense variant is not expected to disrupt ANK2 protein function with a negative predictive value of 80%. In summary, the available evidence is currently insufficient to determine the role of this variant in disease. Therefore, it has been classified as a Variant of Uncertain Significance.

Ambry Genetics
Classification: Likely benign for Cardiovascular phenotype. Last evaluated: 2024-10-17. Review status: criteria provided, single submitter. Criteria: Ambry Variant Classification Scheme 2023. Collection method: clinical testing. Allele origin: germline.

Fulgent Genetics
Classification: Uncertain significance for Cardiac arrhythmia, ankyrin-B-related. Last evaluated: 2021-08-27. Review status: criteria provided, single submitter. Criteria: ACMG Guidelines, 2015. Collection method: clinical testing. Allele origin: unknown.

GeneDx
Classification: Uncertain significance. Last evaluated: 2014-08-27. Review status: criteria provided, single submitter. Criteria: GeneDx Variant Classification (06012015). Collection method: clinical testing. Allele origin: germline. Affected: yes.
Comment: p.Asp3853Asn (GAT>AAT): c.11557 G>A in exon 43 of the ANK2 gene (NM_001148.4). The D3853N variant has not been published as a mutation, nor has it been reported as a benign polymorphism to our knowledge. The D3853N variant was not observed in approximately 6,500 individuals of European and African American ancestry in the NHLBI Exome Sequencing Project, indicating it is not a common benign variant in these populations. The D3853N variant is a semi-conservative amino acid substitution, which may impact secondary protein structure as these residues differ in some properties. This substitution occurs at a position that is moderately conserved across species. In silico analysis is inconsistent in its predictions as to whether or not the variant is damaging to the protein structure/function. Additionally, missense mutations in nearby residues have not been reported, indicating this region of the protein may tolerate change. Therefore, based on the currently available information, it is unclear whether this variant is a pathogenic mutation or a rare benign variant. The variant is found in LQT panel(s).

NM_001148.6(ANK2):c.11557G>A (p.Asp3853Asn)

Gene: ANK2 (ankyrin 2; plus strand). Cytogenetic location: 4q26.
Variant type: single nucleotide variant.
Coding change: c.11557G>A on transcript NM_001148.6 (MANE Select); coding-DNA position 11557, G replaced by A.
Protein change: p.Asp3853Asn; replaces aspartic acid 3853 with asparagine.
Molecular consequence: missense variant.
Genome position (GRCh38, 1-based): chr4:113,369,752, G>A. VCF-style: chr4-113369752-G-A. GRCh37 (hg19) VCF-style: chr4-114290908-G-A.
Other names: p.D3853N:GAT>AAT; c.5275G>A, p.Asp1759Asn (NM_001127493.3); c.5314G>A, p.Asp1772Asn (NM_001354225.2); c.5203G>A, p.Asp1735Asn (NM_001354228.2, NM_001354258.2); c.5281G>A, p.Asp1761Asn (NM_001354230.2); c.5344G>A, p.Asp1782Asn (NM_001354231.2, NM_001354242.2); c.5338G>A, p.Asp1780Asn (NM_001354232.2); c.5299G>A, p.Asp1767Asn (NM_001354235.2, NM_001354246.2, NM_001354265.2); and 36 more; short protein forms D1759N, D3853N, D1640N, D1668N, D1725N, D1735N, D1780N, D1782N.
Identifiers: ClinVar variation 190585 (VCV000190585.12), dbSNP rs754642933, ClinGen allele CA300978.